The following is an entry in ClinVar:

ClinVar aggregate classification (germline): Uncertain significance. Review status: criteria provided, multiple submitters, no conflicts (2 of 4 stars). 3 submissions from 3 submitters: Uncertain significance (3). Last evaluated 2025-12-15.

Conditions:
Hypotonia, ataxia, developmental delay, and tooth enamel defect syndrome. Identifiers: MedGen C4693578, MONDO:0060666, OMIM 617915.
Inborn genetic diseases. Identifiers: MedGen C0950123, MeSH D030342.

Allele frequency attached by ClinVar (database versions not stated): gnomAD exomes below 0.00001; TOPMed below 0.00001; ExAC 0.00001; gnomAD 0.00001.
gnomAD v4.1: 7 of 1,609,072 alleles (0.00044%); highest among the groups gnomAD compares: East Asian, 0.0022%; no homozygotes.

Submissions (3):

Ambry Genetics
Classification: Uncertain significance for Inborn genetic diseases. Last evaluated: 2025-12-15. Review status: criteria provided, single submitter. Criteria: Ambry Variant Classification Scheme 2023. Collection method: clinical testing. Allele origin: germline.
Comment: The c.550C>T (p.R184C) alteration is located in exon 5 (coding exon 5) of the CTBP1 gene. This alteration results from a C to T substitution at nucleotide position 550, causing the arginine (R) at amino acid position 184 to be replaced by a cysteine (C). Based on data from gnomAD, the T allele has an overall frequency of <0.001% (1/244112) total alleles studied. The highest observed frequency was 0.003% (1/34308) of Latino alleles. Based on insufficient or conflicting evidence, the clinical significance of this alteration remains unclear.

Genomic Medicine Center of Excellence, King Faisal Specialist Hospital and Research Centre
Classification: Uncertain significance for Hypotonia, ataxia, developmental delay, and tooth enamel defect syndrome. Last evaluated: 2025-09-10. Review status: criteria provided, single submitter. Criteria: ACMG Guidelines, 2015. Collection method: clinical testing. Allele origin: germline.

Revvity Omics, Revvity
Classification: Uncertain significance for Hypotonia, ataxia, developmental delay, and tooth enamel defect syndrome. Last evaluated: 2022-06-14. Review status: criteria provided, single submitter. Criteria: ACMG Guidelines, 2015. Collection method: clinical testing. Allele origin: germline.

NM_001012614.2(CTBP1):c.517C>T (p.Arg173Cys)

Genes: CTBP1 (C-terminal binding protein 1; minus strand), CTBP1-AS (CTBP1 antisense RNA; plus strand). Cytogenetic location: 4p16.3.
Variant type: single nucleotide variant.
Coding change: c.517C>T on transcript NM_001012614.2 (MANE Select); coding-DNA position 517, C replaced by T.
Protein change: p.Arg173Cys; replaces arginine 173 with cysteine.
Molecular consequence: missense variant. On other transcripts: non-coding transcript variant (1).
Genome position (GRCh38, 1-based): chr4:1,216,203, G>A on the plus strand (C>T on the coding strand, the complement: CTBP1 is on the minus strand). VCF-style: chr4-1216203-G-A. GRCh37 (hg19) VCF-style: chr4-1209991-G-A.
Other names: c.550C>T, p.Arg184Cys (NM_001328.3, NM_001377186.1); c.517C>T, p.Arg173Cys (NM_001377187.1, NM_001377188.1, NM_001377189.1 and 4 more transcripts); c.550C>T (NM_001328.2); short protein forms R173C, R184C.
Identifiers: ClinVar variation 2440599 (VCV002440599.5), dbSNP rs765846448, ClinGen allele CA2804372.